The following is an entry in ClinVar:

NM_001458.5(FLNC):c.1688T>C (p.Val563Ala)

Gene: FLNC (filamin C; plus strand). Cytogenetic location: 7q32.1.
Variant type: single nucleotide variant.
Coding change: c.1688T>C on transcript NM_001458.5 (MANE Select); coding-DNA position 1688, T replaced by C.
Protein change: p.Val563Ala; replaces valine 563 with alanine.
Molecular consequence: missense variant.
Genome position (GRCh38, 1-based): chr7:128,840,845, T>C. VCF-style: chr7-128840845-T-C. GRCh37 (hg19) VCF-style: chr7-128480899-T-C.
Other names: c.1688T>C, p.Val563Ala (NM_001127487.2); short protein forms V563A.
Identifiers: ClinVar variation 938478 (VCV000938478.14), dbSNP rs774963796, ClinGen allele CA4474456.

ClinVar aggregate classification (germline): Uncertain significance. Review status: criteria provided, multiple submitters, no conflicts (2 of 4 stars). 4 submissions from 4 submitters: Uncertain significance (4). Last evaluated 2025-08-13.

Conditions:
Myofibrillar myopathy 5. Also called: Filaminopathy (type); FILAMINOPATHY, AUTOSOMAL DOMINANT. Identifiers: Orphanet 171445, MedGen C1836050, MONDO:0012289, OMIM 609524.
Hypertrophic cardiomyopathy 26. Also called: Cardiomyopathy, familial hypertrophic, 26. Identifiers: Orphanet 75249, MedGen C4310749, MONDO:0014883, OMIM 617047.
Distal myopathy with posterior leg and anterior hand involvement. Also called: WILLIAMS DISTAL MYOPATHY. Identifiers: Orphanet 63273, MedGen C3279722, MONDO:0013550, OMIM 614065.
Cardiovascular phenotype. Identifiers: MedGen CN230736.

Allele frequency attached by ClinVar (database versions not stated): gnomAD exomes below 0.00001; ExAC 0.00001; TOPMed 0.00001.
gnomAD v4.1: 1 of 1,613,690 alleles (0.000062%); highest among the groups gnomAD compares: Non-Finnish European, 0.000085%; no homozygotes.

Submissions (4):

GeneDx
Classification: Uncertain significance. Last evaluated: 2025-08-13. Review status: criteria provided, single submitter. Criteria: GeneDx Variant Classification Process June 2021. Collection method: clinical testing. Allele origin: germline. Affected: yes.
Comment: Not observed at significant frequency in large population cohorts (gnomAD); In silico analysis supports that this missense variant has a deleterious effect on protein structure/function; Has not been previously published as pathogenic or benign to our knowledge

Labcorp Genetics (formerly Invitae), Labcorp
Classification: Uncertain significance for Distal myopathy with posterior leg and anterior hand involvement; Myofibrillar myopathy 5; Hypertrophic cardiomyopathy 26. Last evaluated: 2025-03-12. Review status: criteria provided, single submitter. Criteria: Invitae Variant Classification Sherloc (09022015). Collection method: clinical testing. Allele origin: germline.
Comment: This sequence change replaces valine, which is neutral and non-polar, with alanine, which is neutral and non-polar, at codon 563 of the FLNC protein (p.Val563Ala). This variant is present in population databases (rs774963796, gnomAD 0.0009%). This variant has not been reported in the literature in individuals affected with FLNC-related conditions. ClinVar contains an entry for this variant (Variation ID: 938478). Invitae Evidence Modeling of protein sequence and biophysical properties (such as structural, functional, and spatial information, amino acid conservation, physicochemical variation, residue mobility, and thermodynamic stability) has been performed for this missense variant. However, the output from this modeling did not meet the statistical confidence thresholds required to predict the impact of this variant on FLNC protein function. In summary, the available evidence is currently insufficient to determine the role of this variant in disease. Therefore, it has been classified as a Variant of Uncertain Significance.

Fulgent Genetics
Classification: Uncertain significance for Myofibrillar myopathy 5; Distal myopathy with posterior leg and anterior hand involvement; Hypertrophic cardiomyopathy 26. Last evaluated: 2021-09-08. Review status: criteria provided, single submitter. Criteria: ACMG Guidelines, 2015. Collection method: clinical testing. Allele origin: unknown.

Ambry Genetics
Classification: Uncertain significance for Cardiovascular phenotype. Last evaluated: 2019-11-01. Review status: criteria provided, single submitter. Criteria: Ambry Variant Classification Scheme 2023. Collection method: clinical testing. Allele origin: germline.
Comment: The p.V563A variant (also known as c.1688T>C), located in coding exon 11 of the FLNC gene, results from a T to C substitution at nucleotide position 1688. The valine at codon 563 is replaced by alanine, an amino acid with similar properties. This amino acid position is highly conserved in available vertebrate species. In addition, this alteration is predicted to be deleterious by in silico analysis. Since supporting evidence is limited at this time, the clinical significance of this alteration remains unclear.